The following is an entry in ClinVar:

ClinVar aggregate classification (germline): Uncertain significance (1 of 4 stars; one submission).

Conditions:
SLC12A2-related disorder. Also called: SLC12A2-related disorders; SLC12A2-related condition.

Submission:

PreventionGenetics, part of Exact Sciences
Classification: Uncertain significance for SLC12A2-related condition. Last evaluated: 2025-12-29. Review status: criteria provided, single submitter. Criteria: ACMG Guidelines, 2015. Collection method: clinical testing. Allele origin: germline.
Comment: The SLC12A2 c.1485T>G variant is predicted to result in the amino acid substitution p.Phe495Leu. To our knowledge, this variant has not been reported in the literature or in a large population database (gnomAD), indicating this variant is rare. At this time, the clinical significance of this variant is uncertain due to the absence of conclusive functional and genetic evidence.

NM_001046.3(SLC12A2):c.1485T>G (p.Phe495Leu)

Gene: SLC12A2 (solute carrier family 12 member 2; plus strand). Cytogenetic location: 5q23.3.
Variant type: single nucleotide variant.
Coding change: c.1485T>G on transcript NM_001046.3 (MANE Select); coding-DNA position 1485, T replaced by G.
Protein change: p.Phe495Leu; replaces phenylalanine 495 with leucine.
Molecular consequence: missense variant. On other transcripts: non-coding transcript variant (1).
Genome position (GRCh38, 1-based): chr5:128,138,673, T>G. VCF-style: chr5-128138673-T-G. GRCh37 (hg19) VCF-style: chr5-127474365-T-G.
Other names: c.1485T>G, p.Phe495Leu (NM_001256461.2); short protein forms F495L.
Identifiers: ClinVar variation 4982878 (VCV004982878.1).